The following is an entry in ClinVar:

NM_177965.4(CFAP418):c.130C>T (p.Gln44Ter)

Genes: CFAP418 (cilia and flagella associated protein 418; minus strand), CFAP418-AS1 (CFAP418 antisense RNA 1; plus strand), LOC130000784 (ATAC-STARR-seq lymphoblastoid active region 27655; plus strand). Cytogenetic location: 8q22.1.
Variant type: single nucleotide variant.
Coding change: c.130C>T on transcript NM_177965.4 (MANE Select); coding-DNA position 130, C replaced by T.
Protein change: p.Gln44Ter; replaces glutamine 44 with a stop codon.
Molecular consequence: nonsense.
Genome position (GRCh38, 1-based): chr8:95,269,060, G>A on the plus strand (C>T on the coding strand, the complement: CFAP418 is on the minus strand). VCF-style: chr8-95269060-G-A. GRCh37 (hg19) VCF-style: chr8-96281288-G-A.
Other names: c.130C>T, p.Gln44Ter (NM_001363260.1); short protein forms Q44*.
Identifiers: ClinVar variation 684432 (VCV000684432.2), dbSNP rs751922029, ClinGen allele CA4815265.

ClinVar aggregate classification (germline): Likely pathogenic (1 of 4 stars; one submission).

Conditions:
Bardet-biedl syndrome 21. Identifiers: MedGen C4319932, MONDO:0044308, OMIM 617406.

Allele frequency attached by ClinVar (database versions not stated): gnomAD exomes below 0.00001 and 0.00001; ExAC 0.00002.
gnomAD v4.1: 3 of 1,614,114 alleles (0.00019%); highest among the groups gnomAD compares: South Asian, 0.0033%; no homozygotes.

Submission:

Department of Medical Genetics, Sanjay Gandhi Post Graduate Institute of Medical Sciences
Classification: Likely pathogenic for Bardet-biedl syndrome 21. Review status: criteria provided, single submitter. Criteria: ACMG Guidelines, 2015. Collection method: clinical testing. Allele origin: unknown. Inheritance: Autosomal recessive inheritance. Affected: yes. Observed: 1 compound heterozygote.
Comment: This variant g.5175C>T is found to be compound heterozygous with another variant g.10545del in C8orf37 gene. These variants are predicted to be disease causing by MutationTaster.